The following is an entry in ClinVar:

ClinVar aggregate classification (germline): Uncertain significance. Review status: criteria provided, multiple submitters, no conflicts (2 of 4 stars). 2 submissions from 2 submitters: Uncertain significance (2). Last evaluated 2024-09-30.

Conditions:
Emery-Dreifuss muscular dystrophy 5, autosomal dominant (EDMD5). Also called: EMERY-DREIFUSS MUSCULAR DYSTROPHY 5. Identifiers: Orphanet 261, MedGen C2751805, MONDO:0013072, OMIM 612999.

Allele frequency attached by ClinVar (database versions not stated): gnomAD 0.00002; gnomAD exomes 0.00004 and 0.00008; TOPMed 0.00004; ExAC 0.00007; ESP Exome Variant Server 0.00008.
gnomAD v4.1: 123 of 1,613,886 alleles (0.0076%); highest among the groups gnomAD compares: Non-Finnish European, 0.0097%; no homozygotes.

Submissions (2):

Labcorp Genetics (formerly Invitae), Labcorp
Classification: Uncertain significance for Emery-Dreifuss muscular dystrophy 5, autosomal dominant. Last evaluated: 2024-09-30. Review status: criteria provided, single submitter. Criteria: Invitae Variant Classification Sherloc (09022015). Collection method: clinical testing. Allele origin: germline.
Comment: This sequence change replaces arginine, which is basic and polar, with cysteine, which is neutral and slightly polar, at codon 5731 of the SYNE2 protein (p.Arg5731Cys). This variant is present in population databases (rs376008959, gnomAD 0.01%). This variant has not been reported in the literature in individuals affected with SYNE2-related conditions. ClinVar contains an entry for this variant (Variation ID: 1373387). An algorithm developed to predict the effect of missense changes on protein structure and function outputs the following: PolyPhen-2: "Benign". The cysteine amino acid residue is found in multiple mammalian species, which suggests that this missense change does not adversely affect protein function. In summary, the available evidence is currently insufficient to determine the role of this variant in disease. Therefore, it has been classified as a Variant of Uncertain Significance.

Revvity Omics, Revvity
Classification: Uncertain significance for Emery-Dreifuss muscular dystrophy 5, autosomal dominant. Last evaluated: 2019-05-11. Review status: criteria provided, single submitter. Criteria: ACMG Guidelines, 2015. Collection method: clinical testing. Allele origin: germline.

NM_182914.3(SYNE2):c.17191C>T (p.Arg5731Cys)

Gene: SYNE2 (spectrin repeat containing nuclear envelope protein 2; plus strand). Cytogenetic location: 14q23.2.
Variant type: single nucleotide variant.
Coding change: c.17191C>T on transcript NM_182914.3 (MANE Select); coding-DNA position 17191, C replaced by T.
Protein change: p.Arg5731Cys; replaces arginine 5731 with cysteine.
Molecular consequence: missense variant.
Genome position (GRCh38, 1-based): chr14:64,170,418, C>T. VCF-style: chr14-64170418-C-T. GRCh37 (hg19) VCF-style: chr14-64637136-C-T.
Other names: c.17191C>T, p.Arg5731Cys (NM_015180.6); c.17191C>T (NM_182914.2); short protein forms R5731C.
Identifiers: ClinVar variation 1373387 (VCV001373387.8), dbSNP rs376008959, ClinGen allele CA7223620.